The following is an entry in ClinVar:

ClinVar aggregate classification (germline): Benign/Likely benign. Review status: criteria provided, multiple submitters, no conflicts (2 of 4 stars). 6 submissions from 6 submitters: Benign (2); Likely benign (4). Last evaluated 2025-10-25.

Conditions:
Cardiovascular phenotype. Identifiers: MedGen CN230736.
Cardiomyopathy (CMYO). Also called: Cardiomyopathies. Identifiers: Orphanet 167848, MedGen C0878544, MONDO:0004994, HP:0001638. Inheritance: Various modes of inheritance.
Myofibrillar myopathy 4. Also called: Zaspopathy (type). Identifiers: Orphanet 98912, MedGen C4721886, MONDO:0012277, OMIM 609452.

Allele frequency attached by ClinVar (database versions not stated): ESP Exome Variant Server 0.00008; gnomAD 0.00009; TOPMed 0.00018; 1000 Genomes Project 30x 0.00031; 1000 Genomes Project 0.00040.
gnomAD v4.1: 174 of 1,613,006 alleles (0.011%); highest among the groups gnomAD compares: East Asian, 0.11%; no homozygotes.

Submissions (6):

Labcorp Genetics (formerly Invitae), Labcorp
Classification: Benign for Myofibrillar myopathy 4. Last evaluated: 2025-10-25. Review status: criteria provided, single submitter. Criteria: Invitae Variant Classification Sherloc (09022015). Collection method: clinical testing. Allele origin: germline.

Women's Health and Genetics/Laboratory Corporation of America, LabCorp
Classification: Likely benign. Last evaluated: 2022-05-02. Review status: criteria provided, single submitter. Criteria: LabCorp Variant Classification Summary - May 2015. Collection method: clinical testing. Allele origin: germline.

Ambry Genetics
Classification: Likely benign for Cardiovascular phenotype. Last evaluated: 2020-12-23. Review status: criteria provided, single submitter. Criteria: Ambry Variant Classification Scheme 2023. Collection method: clinical testing. Allele origin: germline.

CHEO Genetics Diagnostic Laboratory, Children's Hospital of Eastern Ontario
Classification: Benign for Cardiomyopathy. Last evaluated: 2019-02-13. Review status: criteria provided, single submitter. Criteria: ACMG Guidelines, 2015. Collection method: clinical testing. Allele origin: germline.

GeneDx
Classification: Likely benign. Last evaluated: 2019-02-12. Review status: criteria provided, single submitter. Criteria: GeneDx Variant Classification Process June 2021. Collection method: clinical testing. Allele origin: germline. Affected: yes.

Laboratory for Molecular Medicine, Mass General Brigham Personalized Medicine
Classification: Likely benign. Last evaluated: 2014-04-09. Review status: criteria provided, single submitter. Criteria: LMM Criteria. Collection method: clinical testing. Allele origin: germline. Observed: 1 variant allele.
Comment: Arg165Trp in exon 4 of LDB3: This variant is not expected to have clinical signi ficance due to a lack of conservation across species, including mammals. Of note , at least 7 mammals have a tryptophan (Trp) at this position. Additionally, it has been identified in 1/8592 European American chromosomes by the NHLBI Exome S equencing Project and in 1/38 Asian chromoso mes from the Coriell Cell Repository (dbSNP rs45610637).

NM_007078.3(LDB3):c.493C>T (p.Arg165Trp)

Gene: LDB3 (LIM domain binding 3; plus strand). Cytogenetic location: 10q23.2.
Variant type: single nucleotide variant.
Coding change: c.493C>T on transcript NM_007078.3 (MANE Select); coding-DNA position 493, C replaced by T.
Protein change: p.Arg165Trp; replaces arginine 165 with tryptophan.
Molecular consequence: missense variant. On other transcripts: intron variant (5).
Genome position (GRCh38, 1-based): chr10:86,681,607, C>T. VCF-style: chr10-86681607-C-T. GRCh37 (hg19) VCF-style: chr10-88441364-C-T.
Other names: p.R165W:CGG>TGG; c.321+1450C>T (NM_001080116.1, NM_001368068.1, NM_001368066.1 and 2 more transcripts); c.493C>T, p.Arg165Trp (NM_001080115.2, NM_001171610.2, NM_001171611.2 and 3 more transcripts); short protein forms R165W.
Identifiers: ClinVar variation 177802 (VCV000177802.23), dbSNP rs45610637, ClinGen allele CA180793.